The following is an entry in ClinVar:

NM_000285.4(PEPD):c.895A>T (p.Thr299Ser)

Gene: PEPD (peptidase D; minus strand). Cytogenetic location: 19q13.11.
Variant type: single nucleotide variant.
Coding change: c.895A>T on transcript NM_000285.4 (MANE Select); coding-DNA position 895, A replaced by T.
Protein change: p.Thr299Ser; replaces threonine 299 with serine.
Molecular consequence: missense variant.
Genome position (GRCh38, 1-based): chr19:33,401,793, T>A on the plus strand (A>T on the coding strand, the complement: PEPD is on the minus strand). VCF-style: chr19-33401793-T-A. GRCh37 (hg19) VCF-style: chr19-33892699-T-A.
Other names: c.772A>T, p.Thr258Ser (NM_001166056.2); c.703A>T, p.Thr235Ser (NM_001166057.2); short protein forms T235S, T258S, T299S.
Identifiers: ClinVar variation 1003416 (VCV001003416.7), dbSNP rs1414069077, ClinGen allele CA405224382.

ClinVar aggregate classification (germline): Uncertain significance (1 of 4 stars; one submission).

Submission:

Labcorp Genetics (formerly Invitae), Labcorp
Classification: Uncertain significance. Last evaluated: 2020-10-03. Review status: criteria provided, single submitter. Criteria: Invitae Variant Classification Sherloc (09022015). Collection method: clinical testing. Allele origin: germline.
Comment: This sequence change replaces threonine with serine at codon 299 of the PEPD protein (p.Thr299Ser). The threonine residue is highly conserved and there is a small physicochemical difference between threonine and serine. This variant is not present in population databases (ExAC no frequency). This variant has not been reported in the literature in individuals with PEPD-related conditions. Algorithms developed to predict the effect of missense changes on protein structure and function are either unavailable or do not agree on the potential impact of this missense change (SIFT: "Deleterious"; PolyPhen-2: "Benign"; Align-GVGD: "Class C55"). In summary, the available evidence is currently insufficient to determine the role of this variant in disease. Therefore, it has been classified as a Variant of Uncertain Significance.